The following is an entry in ClinVar:

NM_000038.6(APC):c.1707G>A (p.Val569=)

Gene: APC (APC regulator of Wnt signaling pathway; plus strand). Cytogenetic location: 5q22.2.
Variant type: single nucleotide variant.
Coding change: c.1707G>A on transcript NM_000038.6 (MANE Select); coding-DNA position 1707, G replaced by A.
Protein change: p.Val569=; no amino-acid change (valine 569 retained).
Molecular consequence: synonymous variant.
Genome position (GRCh38, 1-based): chr5:112,828,936, G>A. VCF-style: chr5-112828936-G-A. GRCh37 (hg19) VCF-style: chr5-112164633-G-A.
Other names: c.1707G>A, p.Val569= (NM_001127510.3, NM_001354895.2, NM_001407450.1); c.1653G>A, p.Val551= (NM_001127511.3); c.1761G>A, p.Val587= (NM_001354896.2, NM_001407447.1, NM_001407448.1 and 1 more transcripts); c.1737G>A, p.Val579= (NM_001354897.2); c.1632G>A, p.Val544= (NM_001354898.2); c.1623G>A, p.Val541= (NM_001354899.2); c.1584G>A, p.Val528= (NM_001354900.2); c.1530G>A, p.Val510= (NM_001354901.2, NM_001407453.1); and 11 more.
Identifiers: ClinVar variation 2452679 (VCV002452679.2), dbSNP rs2149817942, ClinGen allele CA445757417.

ClinVar aggregate classification (germline): Benign/Likely benign. Review status: criteria provided, multiple submitters, no conflicts (2 of 4 stars). 2 submissions from 2 submitters: Benign (1); Likely benign (1). Last evaluated 2024-03-06.

Conditions:
Familial adenomatous polyposis 1 (FAP1). Also called: POLYPOSIS, ADENOMATOUS INTESTINAL; FAMILIAL ADENOMATOUS POLYPOSIS 1, ATTENUATED. Identifiers: MedGen C2713442, MONDO:0021056, OMIM 175100. Disease mechanism: loss of function.
Hereditary cancer-predisposing syndrome. Also called: Neoplastic Syndromes, Hereditary; Tumor predisposition; Hereditary neoplastic syndrome; Hereditary Cancer Syndrome. Identifiers: Orphanet 140162, MedGen C0027672, MeSH D009386, MONDO:0015356.

Submissions (2):

Myriad Genetics, Inc.
Classification: Benign for Familial adenomatous polyposis 1. Last evaluated: 2024-03-06. Review status: criteria provided, single submitter. Criteria: Myriad Autosomal Dominant, Autosomal Recessive and X-Linked Classification Criteria (2023). Collection method: clinical testing. Allele origin: unknown.
Comment: This variant is considered benign. This variant is a silent/synonymous amino acid change and it is not expected to impact splicing.

Ambry Genetics
Classification: Likely benign for Hereditary cancer-predisposing syndrome. Last evaluated: 2022-11-10. Review status: criteria provided, single submitter. Criteria: Ambry Variant Classification Scheme 2023. Collection method: clinical testing. Allele origin: germline.